The following is an entry in ClinVar:

NM_000059.4(BRCA2):c.1186T>A (p.Ser396Thr)

Gene: BRCA2 (BRCA2 DNA repair associated; plus strand). Cytogenetic location: 13q13.1.
Variant type: single nucleotide variant.
Coding change: c.1186T>A on transcript NM_000059.4 (MANE Select); coding-DNA position 1186, T replaced by A.
Protein change: p.Ser396Thr; replaces serine 396 with threonine.
Molecular consequence: missense variant.
Genome position (GRCh38, 1-based): chr13:32,332,664, T>A. VCF-style: chr13-32332664-T-A. GRCh37 (hg19) VCF-style: chr13-32906801-T-A.
Other names: short protein forms S396T.
Identifiers: ClinVar variation 531415 (VCV000531415.10), dbSNP rs1555281765, ClinGen allele CA387762004.
Genomic context (GRCh38, chr13:32,332,664, plus strand): 5'-TTTGAGAGTGGAAGTGACAAAATCTCCAAGGAAGTTGTACCGTCTTTGGCCTGTGAATGG[T>A]CTCAACTAACCCTTTCAGGTCTAAATGGAGCCCAGATGGAGAAAATACCCCTATTGCATA-3'
Protein context (NP_000050.3, residues 386-406): EVVPSLACEW[Ser396Thr]QLTLSGLNGA

ClinVar aggregate classification (germline): Conflicting classifications of pathogenicity. Review status: criteria provided, conflicting classifications (1 of 4 stars). 2 submissions from 2 submitters: Uncertain significance (1); Likely benign (1). Last evaluated 2023-03-23.

Conditions:
Hereditary cancer-predisposing syndrome. Also called: Hereditary neoplastic syndrome; Neoplastic Syndromes, Hereditary; Tumor predisposition; Hereditary Cancer Syndrome. Identifiers: Orphanet 140162, MedGen C0027672, MeSH D009386, MONDO:0015356.
Hereditary breast ovarian cancer syndrome. Also called: Hereditary breast and ovarian cancer syndrome (HBOC); BRCA1- and BRCA2-Associated Hereditary Breast and Ovarian Cancer; Hereditary breast and ovarian cancer syndrome; Breast and ovarian cancer; Hereditary breast and ovarian cancer; Hereditary breast and/or ovarian cancer syndrome. Identifiers: Orphanet 145, MedGen C0677776, MeSH D061325, MONDO:0003582. Disease mechanism: loss of function.

Submissions (2):

University of Washington Department of Laboratory Medicine, University of Washington
Classification: Likely benign for Hereditary cancer-predisposing syndrome. Last evaluated: 2023-03-23. Review status: criteria provided, single submitter. Criteria: Dines et al. (Genet Med. 2020). Collection method: curation. Allele origin: germline.
Comment: Missense variant in a coldspot region where missense variants are very unlikely to be pathogenic (PMID:31911673).

BRCA2 exon 10 coldspot. Reclassification based on statistical prior probability.

Labcorp Genetics (formerly Invitae), Labcorp
Classification: Uncertain significance for Hereditary breast ovarian cancer syndrome. Last evaluated: 2020-06-03. Review status: criteria provided, single submitter. Criteria: Invitae Variant Classification Sherloc (09022015). Collection method: clinical testing. Allele origin: germline.
Comment: This sequence change replaces serine with threonine at codon 396 of the BRCA2 protein (p.Ser396Thr). The serine residue is highly conserved and there is a small physicochemical difference between serine and threonine. This variant is not present in population databases (ExAC no frequency). This variant has not been reported in the literature in individuals with BRCA2-related disease. Algorithms developed to predict the effect of missense changes on protein structure and function do not agree on the potential impact of this missense change (SIFT: "Deleterious"; PolyPhen-2: "Probably Damaging"; Align-GVGD: "Class C0"). In summary, the available evidence is currently insufficient to determine the role of this variant in disease. Therefore, it has been classified as a Variant of Uncertain Significance.